The following is an entry in ClinVar:

ClinVar aggregate classification (germline): Uncertain significance (1 of 4 stars; one submission).

Submission:

Labcorp Genetics (formerly Invitae), Labcorp
Classification: Uncertain significance. Last evaluated: 2025-06-20. Review status: criteria provided, single submitter. Criteria: Invitae Variant Classification Sherloc (09022015). Collection method: clinical testing. Allele origin: germline.
Comment: This variant, c.1364_1378del, results in the deletion of 5 amino acid(s) of the CACNA1D protein (p.Glu455_Glu459del), but otherwise preserves the integrity of the reading frame. This variant is not present in population databases (gnomAD no frequency). This variant has not been reported in the literature in individuals affected with CACNA1D-related conditions. Experimental studies and prediction algorithms are not available or were not evaluated, and the functional significance of this variant is currently unknown. In summary, the available evidence is currently insufficient to determine the role of this variant in disease. Therefore, it has been classified as a Variant of Uncertain Significance.

NM_001128840.3(CACNA1D):c.1364_1378del (p.Glu455_Glu459del)

Gene: CACNA1D (calcium voltage-gated channel subunit alpha1 D; plus strand). Cytogenetic location: 3p21.1.
Variant type: Deletion.
Coding change: c.1364_1378del on transcript NM_001128840.3 (MANE Select); coding-DNA positions 1364 to 1378, 15 bases deleted (AAGGAGGAGAGGAAG).
Protein change: p.Glu455_Glu459del.
Genome position (GRCh38, 1-based): chr3:53,702,784-53,702,798, AAGGAGGAGAGGAAG deleted; deleting any 15 consecutive bases within chr3:53,702,777-53,702,798 gives the same sequence; the c. name uses the placement nearest the transcript's 3' end. VCF-style (leftmost placement, unchanged base first): chr3-53702776-TGAGGAAGAAGGAGGA-T. GRCh37 (hg19) VCF-style: chr3-53736803-TGAGGAAGAAGGAGGA-T.
Other names: c.1364_1378del, p.Glu455_Glu459del (NM_000720.4, NM_001128839.3).
Identifiers: ClinVar variation 4803918 (VCV004803918.1).